The following is an entry in ClinVar:

ClinVar aggregate classification (germline): Pathogenic. Review status: reviewed by expert panel (3 of 4 stars). 6 submissions from 6 submitters: Pathogenic (1). 5 of the submissions do not count toward it. Last evaluated 2025-05-28.

Conditions:
Autosomal recessive limb-girdle muscular dystrophy. Identifiers: Orphanet 102015, MedGen C2931907, MONDO:0015152.
Neuromuscular disease caused by qualitative or quantitative defects of dysferlin. Also called: Dysferlinopathy; Qualitative or quantitative defects of dysferlin. Identifiers: Orphanet 207073, MedGen C2931687, MONDO:0016145.
Miyoshi muscular dystrophy 1 (MMD1). Identifiers: Orphanet 45448, MedGen C4551973, MONDO:0024545, OMIM 254130.
Autosomal recessive limb-girdle muscular dystrophy type 2B (LGMDR2). Also called: MUSCULAR DYSTROPHY, LIMB-GIRDLE, AUTOSOMAL RECESSIVE 2; MUSCULAR DYSTROPHY, LIMB-GIRDLE, TYPE 3; Limb-girdle muscular dystrophy, type 2B; Limb-Girdle Muscular Dystrophy Type 2B (LGMD2B). Identifiers: Orphanet 268, MedGen C1850889, MONDO:0009676, OMIM 253601.

Submissions (6):

ClinGen Limb Girdle Muscular Dystrophy Variant Curation Expert Panel, ClinGen
Classification: Pathogenic for Autosomal recessive limb-girdle muscular dystrophy. Last evaluated: 2025-05-28. Review status: reviewed by expert panel. Criteria: ClinGen LGMD VCEP ACMG Specifications DYSF V1.0.0. Collection method: curation. Allele origin: germline. Inheritance: Autosomal recessive inheritance.
Comment: The NM_003494.4: c.3051dup p.(Ile1018HisfsTer14) variant in DYSF, which is also known as NM_001130987.2: c.3105dup p.(Ile1036HisfsTer14), is a frameshift variant predicted to cause a premature stop codon in biologically relevant exon 29/55, leading to nonsense mediated decay in a gene in which loss of function is an established disease mechanism (PVS1). This variant has been identified in trans with a second presumed diagnostic DYSF variant in a patient who displayed progressive limb girdle muscle weakness and absent dysferlin protein expression in both skeletal muscle and blood monocytes, which is highly specific for DYSF-associated LGMD (PMID: 36983702; PP4_Strong). This variant has also been reported to segregate with autosomal recessive LGMD in one affected family member (PP1; PMID: 36983702). The filtering allele frequency of this variant is 0.000028252 in gnomAD v4.1.0 exomes (the upper threshold of the 95% CI of 22/1111934 European (non-Finnish) chromosomes), which is less than the ClinGen LGMD VCEP threshold for PM2_Supporting (≤0.0001), meeting this criterion (PM2_Supporting). In summary, this variant meets the criteria to be classified as Pathogenic for autosomal recessive limb girdle muscular dystrophy based on the ACMG/AMP criteria applied, as specified by the ClinGen LGMD VCEP (LGMD VCEP specifications version 1.0.0; 05/28/2025): PVS1, PP4_Strong, PP1, PM2_Supporting.

Labcorp Genetics (formerly Invitae), Labcorp
Classification: Pathogenic for Neuromuscular disease caused by qualitative or quantitative defects of dysferlin. Last evaluated: 2026-01-09. Review status: criteria provided, single submitter. Criteria: Invitae Variant Classification Sherloc (09022015). Collection method: clinical testing. Allele origin: germline. Not counted in ClinVar's aggregate classification.
Comment: This sequence change creates a premature translational stop signal (p.Ile1018Hisfs*14) in the DYSF gene. It is expected to result in an absent or disrupted protein product. Loss-of-function variants in DYSF are known to be pathogenic (PMID: 17698709, 20301480). This variant is present in population databases (rs756118312, gnomAD 0.007%). This variant has not been reported in the literature in individuals affected with DYSF-related conditions. ClinVar contains an entry for this variant (Variation ID: 498619). For these reasons, this variant has been classified as Pathogenic.

Revvity Omics, Revvity
Classification: Pathogenic. Last evaluated: 2024-01-05. Review status: criteria provided, single submitter. Criteria: ACMG Guidelines, 2015. Collection method: clinical testing. Allele origin: germline. Not counted in ClinVar's aggregate classification.

Baylor Genetics
Classification: Likely pathogenic for Miyoshi muscular dystrophy 1. Last evaluated: 2023-12-04. Review status: criteria provided, single submitter. Criteria: ACMG Guidelines, 2015. Collection method: clinical testing. Allele origin: unknown. Not counted in ClinVar's aggregate classification.

Eurofins Ntd Llc (ga)
Classification: Pathogenic. Last evaluated: 2016-12-04. Review status: criteria provided, single submitter. Criteria: EGL Classification Definitions 2015. Collection method: clinical testing. Allele origin: germline. Observed: 3 variant alleles, 3 heterozygotes. Not counted in ClinVar's aggregate classification.

Counsyl
Classification: Likely pathogenic for Autosomal recessive limb-girdle muscular dystrophy type 2B. Last evaluated: 2018-05-09. Review status: no assertion criteria provided. Collection method: clinical testing. Allele origin: unknown. Not counted in ClinVar's aggregate classification.

Literature cited by the submitters: PubMed 17698709 (cited by Labcorp Genetics (formerly Invitae), Labcorp); PubMed 20301480 (cited by Labcorp Genetics (formerly Invitae), Labcorp).

NM_001130987.1(DYSF):c.3105dup(p.Ile1036Hisfs)

Gene: DYSF (dysferlin; plus strand). Cytogenetic location: 2p13.2.
Variant type: Duplication.
Coding change: c.3105dup(p.Ile1036Hisfs) on transcript NM_001130987.1; coding-DNA position 3105, one base duplicated (C; older notation c.3105dup(p.Ile1036Hisfs)C).
Molecular consequence: frameshift variant (on NM_001130987.2).
Genome position (GRCh38, 1-based): chr2:71,570,618, C duplicated; the last of 2 consecutive C bases (chr2:71,570,617-71,570,618); duplicating either gives the same sequence. VCF-style (leftmost placement, unchanged base first): chr2-71570616-A-AC. GRCh37 (hg19) VCF-style: chr2-71797746-A-AC.
Other names: c.3054dup, p.Ile1019fs (NM_001130455.2, NM_001130983.2); c.3009dup, p.Ile1004fs (NM_001130976.2, NM_001130977.2); c.3051dup, p.Ile1018fs (NM_001130978.2, NM_003494.4); c.3144dup, p.Ile1049fs (NM_001130979.2); c.3102dup, p.Ile1035fs (NM_001130980.2, NM_001130981.2); c.3147dup, p.Ile1050fs (NM_001130982.2); c.3012dup, p.Ile1005fs (NM_001130984.2, NM_001130986.2); c.3105dup, p.Ile1036fs (NM_001130985.2, NM_001130987.2); and 1 more; short protein forms I1018fs, I1019fs, I1036fs, I1005fs, I1049fs, I1050fs, I1004fs, I1035fs.
Identifiers: ClinVar variation 498619 (VCV000498619.20), dbSNP rs756118312, ClinGen allele CA1706424.